The following is an entry in ClinVar:

NM_002691.4(POLD1):c.841-3C>T

Gene: POLD1 (DNA polymerase delta 1, catalytic subunit; plus strand). Cytogenetic location: 19q13.33.
Variant type: single nucleotide variant.
Coding change: c.841-3C>T on transcript NM_002691.4 (MANE Select); 3 bases into the intron before coding-DNA position 841, C replaced by T.
Molecular consequence: intron variant.
Genome position (GRCh38, 1-based): chr19:50,402,609, C>T. VCF-style: chr19-50402609-C-T. GRCh37 (hg19) VCF-style: chr19-50905866-C-T.
Other names: c.841-3C>T (LRG_785t2, LRG_785t1, NM_001256849.1 and 1 more transcripts).
Identifiers: ClinVar variation 486083 (VCV000486083.13), dbSNP rs1397759553, ClinGen allele CA658658832.

ClinVar aggregate classification (germline): Uncertain significance. Review status: criteria provided, multiple submitters, no conflicts (2 of 4 stars). 2 submissions from 2 submitters: Uncertain significance (2). Last evaluated 2025-10-21.

Conditions:
Hereditary cancer-predisposing syndrome. Also called: Tumor predisposition; Hereditary Cancer Syndrome; Hereditary neoplastic syndrome; Neoplastic Syndromes, Hereditary. Identifiers: Orphanet 140162, MedGen C0027672, MeSH D009386, MONDO:0015356.
POLD1-related polyposis and colorectal cancer syndrome (CRCS10). Also called: Colorectal cancer 10; COLORECTAL CANCER, SUSCEPTIBILITY TO, ON CHROMOSOME 19q; Colorectal cancer, susceptibility to, 10. Identifiers: Orphanet 220460, MedGen C2675481, MONDO:0012953, OMIM 612591.

Allele frequency attached by ClinVar (database versions not stated): gnomAD 0.00001 and 0.00002; gnomAD exomes 0.00001; TOPMed 0.00001.
gnomAD v4.1: 8 of 1,570,394 alleles (0.00051%); highest among the groups gnomAD compares: East Asian, 0.019%; no homozygotes.

Submissions (2):

Ambry Genetics
Classification: Uncertain significance for Hereditary cancer-predisposing syndrome. Last evaluated: 2025-10-21. Review status: criteria provided, single submitter. Criteria: Ambry Variant Classification Scheme 2023. Collection method: clinical testing. Allele origin: germline.
Comment: The c.841-3C>T intronic variant results from a C to T substitution 3 nucleotides upstream from coding exon 7 in the POLD1 gene. This nucleotide position is not well conserved in available vertebrate species. In silico splice site analysis for this alteration is inconclusive. Based on the available evidence, the clinical significance of this variant remains unclear.

Labcorp Genetics (formerly Invitae), Labcorp
Classification: Uncertain significance for POLD1-related polyposis and colorectal cancer syndrome. Last evaluated: 2025-01-23. Review status: criteria provided, single submitter. Criteria: Invitae Variant Classification Sherloc (09022015). Collection method: clinical testing. Allele origin: germline.
Comment: This sequence change falls in intron 7 of the POLD1 gene. It does not directly change the encoded amino acid sequence of the POLD1 protein. It affects a nucleotide within the consensus splice site. This variant is not present in population databases (gnomAD no frequency). This variant has not been reported in the literature in individuals affected with POLD1-related conditions. ClinVar contains an entry for this variant (Variation ID: 486083). Variants that disrupt the consensus splice site are a relatively common cause of aberrant splicing (PMID: 17576681, 9536098). Algorithms developed to predict the effect of sequence changes on RNA splicing suggest that this variant is not likely to affect RNA splicing. In summary, the available evidence is currently insufficient to determine the role of this variant in disease. Therefore, it has been classified as a Variant of Uncertain Significance.

Literature cited by the submitters: PubMed 17576681 (cited by Labcorp Genetics (formerly Invitae), Labcorp); PubMed 9536098 (cited by Labcorp Genetics (formerly Invitae), Labcorp).